The following is an entry in ClinVar:

ClinVar aggregate classification (germline): Uncertain significance (1 of 4 stars; one submission).

Conditions:
Hereditary cancer-predisposing syndrome. Also called: Neoplastic Syndromes, Hereditary; Tumor predisposition; Hereditary Cancer Syndrome; Hereditary neoplastic syndrome. Identifiers: Orphanet 140162, MedGen C0027672, MeSH D009386, MONDO:0015356.

Submission:

Ambry Genetics
Classification: Uncertain significance for Hereditary cancer-predisposing syndrome. Last evaluated: 2026-06-12. Review status: criteria provided, single submitter. Criteria: Ambry Variant Classification Scheme 2023. Collection method: clinical testing. Allele origin: germline.
Comment: The c.1701_1703delAGAinsGGG variant (also known as p.D568G), located in coding exon 11 of the PDGFRA gene, results from an in-frame deletion of AGA and insertion of GGG at nucleotide positions 1701 to 1703. This results in the substitution of the aspartic acid residue for a glycine residue at codon 568, an amino acid with similar properties. This amino acid position is highly conserved in available vertebrate species. In addition, this alteration is predicted to be deleterious by in silico analysis. Based on the available evidence, the clinical significance of this variant remains unclear.

NM_006206.6(PDGFRA):c.1701_1703delinsGGG (p.Asp568Gly)

Gene: PDGFRA (platelet derived growth factor receptor alpha; plus strand). Cytogenetic location: 4q12.
Variant type: Indel.
Coding change: c.1701_1703delinsGGG on transcript NM_006206.6 (MANE Select); coding-DNA positions 1701 to 1703, AGA replaced by GGG.
Protein change: p.Asp568Gly; replaces aspartic acid 568 with glycine.
Molecular consequence: missense variant.
Genome position (GRCh38, 1-based): chr4:54,274,888-54,274,890, AGA replaced by GGG. VCF-style: chr4-54274888-AGA-GGG. GRCh37 (hg19) VCF-style: chr4-55141055-AGA-GGG.
Other names: c.1701_1703delinsGGG, p.Asp568Gly (NM_001347827.2, NM_001347829.2); c.1776_1778delinsGGG, p.Asp593Gly (NM_001347828.2); c.1740_1742delinsGGG, p.Asp581Gly (NM_001347830.2); short protein forms D568G, D581G, D593G.
Identifiers: ClinVar variation 4861755 (VCV004861755.1).